The following is an entry in ClinVar:

NM_006231.4(POLE):c.1774C>A (p.Gln592Lys)

Gene: POLE (DNA polymerase epsilon, catalytic subunit; minus strand). Cytogenetic location: 12q24.33.
Variant type: single nucleotide variant.
Coding change: c.1774C>A on transcript NM_006231.4 (MANE Select); coding-DNA position 1774, C replaced by A.
Protein change: p.Gln592Lys; replaces glutamine 592 with lysine.
Molecular consequence: missense variant.
Genome position (GRCh38, 1-based): chr12:132,672,235, G>T on the plus strand (C>A on the coding strand, the complement: POLE is on the minus strand). VCF-style: chr12-132672235-G-T. GRCh37 (hg19) VCF-style: chr12-133248821-G-T.
Other names: short protein forms Q592K.
Identifiers: ClinVar variation 1353707 (VCV001353707.9), dbSNP rs1443486021, ClinGen allele CA387356245.

ClinVar aggregate classification (germline): Conflicting classifications of pathogenicity. Review status: criteria provided, conflicting classifications (1 of 4 stars). 3 submissions from 3 submitters: Uncertain significance (2); Likely benign (1). Last evaluated 2026-01-18.

Conditions:
Hereditary cancer-predisposing syndrome. Also called: Neoplastic Syndromes, Hereditary; Tumor predisposition; Hereditary neoplastic syndrome; Hereditary Cancer Syndrome. Identifiers: Orphanet 140162, MedGen C0027672, MeSH D009386, MONDO:0015356.

Allele frequency attached by ClinVar (database versions not stated): gnomAD exomes below 0.00001.
gnomAD v4.1: 2 of 1,613,856 alleles (0.00012%); highest among the groups gnomAD compares: South Asian, 0.0011%; no homozygotes.

Submissions (3):

Labcorp Genetics (formerly Invitae), Labcorp
Classification: Uncertain significance. Last evaluated: 2026-01-18. Review status: criteria provided, single submitter. Criteria: Invitae Variant Classification Sherloc (09022015). Collection method: clinical testing. Allele origin: germline.
Comment: This sequence change replaces glutamine, which is neutral and polar, with lysine, which is basic and polar, at codon 592 of the POLE protein (p.Gln592Lys). This variant is present in population databases (no rsID available, gnomAD 0.0009%). This variant has not been reported in the literature in individuals affected with POLE-related conditions. ClinVar contains an entry for this variant (Variation ID: 1353707). Invitae Evidence Modeling of protein sequence and biophysical properties (such as structural, functional, and spatial information, amino acid conservation, physicochemical variation, residue mobility, and thermodynamic stability) indicates that this missense variant is not expected to disrupt POLE protein function with a negative predictive value of 80%. In summary, the available evidence is currently insufficient to determine the role of this variant in disease. Therefore, it has been classified as a Variant of Uncertain Significance.

Ambry Genetics
Classification: Likely benign for Hereditary cancer-predisposing syndrome. Last evaluated: 2025-06-17. Review status: criteria provided, single submitter. Criteria: Ambry Variant Classification Scheme 2023. Collection method: clinical testing. Allele origin: germline.

GeneDx
Classification: Uncertain significance. Last evaluated: 2023-05-02. Review status: criteria provided, single submitter. Criteria: GeneDx Variant Classification Process June 2021. Collection method: clinical testing. Allele origin: germline. Affected: yes.
Comment: Not observed at significant frequency in large population cohorts (gnomAD); In silico analysis supports that this missense variant does not alter protein structure/function; Has not been previously published as pathogenic or benign to our knowledge; This variant is associated with the following publications: (PMID: 20951805)